The following is an entry in ClinVar:

ClinVar aggregate classification (germline): Uncertain significance. Review status: criteria provided, multiple submitters, no conflicts (2 of 4 stars). 3 submissions from 3 submitters: Uncertain significance (3). Last evaluated 2026-01-19.

Conditions:
Inborn genetic diseases. Identifiers: MedGen C0950123, MeSH D030342.

Allele frequency attached by ClinVar (database versions not stated): gnomAD exomes 0.00001; ExAC 0.00002; gnomAD 0.00003; TOPMed 0.00003.

Submissions (3):

Labcorp Genetics (formerly Invitae), Labcorp
Classification: Uncertain significance. Last evaluated: 2026-01-19. Review status: criteria provided, single submitter. Criteria: Invitae Variant Classification Sherloc (09022015). Collection method: clinical testing. Allele origin: germline.
Comment: This sequence change replaces serine, which is neutral and polar, with glycine, which is neutral and non-polar, at codon 348 of the SAMD9 protein (p.Ser348Gly). This variant is present in population databases (rs750968624, gnomAD 0.004%). This variant has not been reported in the literature in individuals affected with SAMD9-related conditions. ClinVar contains an entry for this variant (Variation ID: 2498070). Invitae Evidence Modeling of protein sequence and biophysical properties (such as structural, functional, and spatial information, amino acid conservation, physicochemical variation, residue mobility, and thermodynamic stability) indicates that this missense variant is not expected to disrupt SAMD9 protein function with a negative predictive value of 95%. In summary, the available evidence is currently insufficient to determine the role of this variant in disease. Therefore, it has been classified as a Variant of Uncertain Significance.

Ambry Genetics
Classification: Uncertain significance for Inborn genetic diseases. Last evaluated: 2024-12-10. Review status: criteria provided, single submitter. Criteria: Ambry Variant Classification Scheme 2023. Collection method: clinical testing. Allele origin: germline.
Comment: The p.S348G variant (also known as c.1042A>G), located in coding exon 1 of the SAMD9 gene, results from an A to G substitution at nucleotide position 1042. The serine at codon 348 is replaced by glycine, an amino acid with similar properties. This amino acid position is conserved. In addition, this alteration is predicted to be tolerated by in silico analysis. Based on the available evidence, the clinical significance of this variant remains unclear.

GeneDx
Classification: Uncertain significance. Last evaluated: 2022-10-05. Review status: criteria provided, single submitter. Criteria: GeneDx Variant Classification Process June 2021. Collection method: clinical testing. Allele origin: germline. Affected: yes.
Comment: Not observed at significant frequency in large population cohorts (gnomAD); In silico analysis supports that this missense variant does not alter protein structure/function; Has not been previously published as pathogenic or benign to our knowledge

NM_017654.4(SAMD9):c.1042A>G (p.Ser348Gly)

Gene: SAMD9 (sterile alpha motif domain containing 9; minus strand). Cytogenetic location: 7q21.2.
Variant type: single nucleotide variant.
Coding change: c.1042A>G on transcript NM_017654.4 (MANE Select); coding-DNA position 1042, A replaced by G.
Protein change: p.Ser348Gly; replaces serine 348 with glycine.
Molecular consequence: missense variant.
Genome position (GRCh38, 1-based): chr7:93,105,056, T>C on the plus strand (A>G on the coding strand, the complement: SAMD9 is on the minus strand). VCF-style: chr7-93105056-T-C. GRCh37 (hg19) VCF-style: chr7-92734369-T-C.
Other names: c.1042A>G, p.Ser348Gly (NM_001193307.2); short protein forms S348G.
Identifiers: ClinVar variation 2498070 (VCV002498070.3), dbSNP rs750968624, ClinGen allele CA4343034.
Genomic context (GRCh38, chr7:93,105,056, plus strand): 5'-TTTTAAAATCTGCTTTAAATGCTCTGAAATCAACTTTATTTTTCGTAATGTCCTTAGAGC[T>C]GGTCCCATCTCGCACAAATAGTGAGAATTTTTTACTTTGTTCCCATATTTTGTTGTTGTA-3'
Protein context (NP_060124.2, residues 338-358): KFSLFVRDGT[Ser348Gly]SKDITKNKVD